The following is an entry in ClinVar:

NM_001267550.2(TTN):c.13838_13839del (p.Val4613fs)

Gene: TTN (titin; minus strand). Cytogenetic location: 2q31.2.
Variant type: Deletion.
Coding change: c.13838_13839del on transcript NM_001267550.2 (MANE Select); coding-DNA positions 13838 to 13839, 2 bases deleted (TG; older notation c.13838_13839delTG).
Protein change: p.Val4613fs; shifts the reading frame from valine 4613.
Molecular consequence: frameshift variant. On other transcripts: intron variant (1).
Genome position (GRCh38, 1-based): chr2:178,739,394-178,739,395, CA deleted on the plus strand (TG on the coding strand, the reverse complement: TTN is on the minus strand); deleting any 2 consecutive bases within chr2:178,739,394-178,739,396 gives the same sequence; the c. name uses the placement nearest the transcript's 3' end. VCF-style (leftmost placement, unchanged base first): chr2-178739393-CCA-C. GRCh37 (hg19) VCF-style: chr2-179604120-CCA-C.
Other names: c.12887_12888del, p.Val4296fs (NM_001256850.1); c.12749_12750del, p.Val4250fs (NM_003319.4); c.13124_13125del, p.Val4375fs (NM_133432.3); c.13325_13326del, p.Val4442fs (NM_133437.4); c.10361-1035_10361-1034del (NM_133378.4); c.12749_12750delTG (NM_003319.4); short protein forms V4250fs, V4296fs, V4613fs, V4375fs, V4442fs.
Identifiers: ClinVar variation 1401347 (VCV001401347.7), dbSNP rs2154317516, ClinGen allele CA2573134003.
Genomic context (GRCh38, chr2:178,739,393, plus strand): 5'-CTTTAGCATTTGTTATGGATGTTGTGAGGTGTACAATATCACCTTCCTCAGAAACAGTGT[CCA>C]CTAAAGGTGTATGTATCATGGGGCCATCCTCTTTGATTAAGCCACCCTCAGCTTCCTGTA-3'

ClinVar aggregate classification (germline): Pathogenic/Likely pathogenic. Review status: criteria provided, multiple submitters, no conflicts (2 of 4 stars). 2 submissions from 2 submitters: Pathogenic (1); Likely pathogenic (1). Last evaluated 2025-01-12.

Conditions:
Dilated cardiomyopathy 1G (CMD1G). Identifiers: Orphanet 154, MedGen C1858763, MONDO:0011400, OMIM 604145.
Autosomal recessive limb-girdle muscular dystrophy type 2J (LGMDR10). Also called: Limb-girdle muscular dystrophy, type 2J; MUSCULAR DYSTROPHY, LIMB-GIRDLE, AUTOSOMAL RECESSIVE 10. Identifiers: Orphanet 140922, MedGen C1837342, MONDO:0012127, OMIM 608807.
Cardiovascular phenotype. Identifiers: MedGen CN230736.

Submissions (2):

Labcorp Genetics (formerly Invitae), Labcorp
Classification: Likely pathogenic for Dilated cardiomyopathy 1G; Autosomal recessive limb-girdle muscular dystrophy type 2J. Last evaluated: 2025-01-12. Review status: criteria provided, single submitter. Criteria: Invitae Variant Classification Sherloc (09022015). Collection method: clinical testing. Allele origin: germline.
Comment: This sequence change creates a premature translational stop signal (p.Val4613Glyfs*5) in the TTN gene. While this is not anticipated to result in nonsense mediated decay, it is expected to create a truncated TTN protein. This variant is not present in population databases (gnomAD no frequency). This variant has not been observed in the literature in individuals with autosomal recessive TTN-related conditions. This variant has been reported in individual(s) with dilated cardiomyopathy (PMID: 32998006); however, the role of the variant in this condition is currently unclear. ClinVar contains an entry for this variant (Variation ID: 1401347). This variant is located in the I band of TTN (PMID: 25589632). Truncating variants in this region have been reported in individuals affected with autosomal recessive centronuclear myopathy (PMID: 23975875, internal data). Truncating variants in this region have also been identified in individuals affected with autosomal dominant dilated cardiomyopathy and/or cardio-related conditions (PMID: 27869827, 32964742, internal data). In summary, the currently available evidence indicates that the variant is pathogenic, but additional data are needed to prove that conclusively. Therefore, this variant has been classified as Likely Pathogenic.

Ambry Genetics
Classification: Pathogenic for Cardiovascular phenotype. Last evaluated: 2024-05-31. Review status: criteria provided, single submitter. Criteria: Ambry Variant Classification Scheme 2023. Collection method: clinical testing. Allele origin: germline.
Comment: The c.12749_12750delTG pathogenic mutation, located in coding exon 44 of the TTN gene, results from a deletion of two nucleotides at nucleotide positions 12749 to 12750, causing a translational frameshift with a predicted alternate stop codon (p.V4250Gfs*5). This exon is located in the I-band region of the N2-B isoform of the titin protein and is constitutively expressed in TTN transcripts (percent spliced in or PSI 100%). This alteration has been reported in individuals with dilated cardiomyopathy (DCM) (Anderson JL et al. Am J Cardiol, 2020 Dec;137:97-102; Ambry internal data). This variant is considered to be rare based on population cohorts in the Genome Aggregation Database (gnomAD). In addition to the clinical data presented in the literature, this alteration is expected to result in loss of function by premature protein truncation or nonsense-mediated mRNA decay. While truncating variants in TTN are present in 1-3% of the general population, truncating variants in the A-band are the most common cause of DCM (Herman DS et al. N. Engl. J. Med., 2012 Feb;366:619-28; Roberts AM et al. Sci Transl Med, 2015 Jan;7:270ra6). TTN truncating variants encoded in constitutive exons (PSI >90%) have been found to be significantly associated with DCM regardless of their position in titin (Schafer S et al. Nat. Genet., 2017 01;49:46-53). Based on the supporting evidence, this variant is interpreted as a disease-causing mutation.

Literature cited by the submitters: PubMed 32998006 (cited by Labcorp Genetics (formerly Invitae), Labcorp and Ambry Genetics); PubMed 25589632 (cited by Labcorp Genetics (formerly Invitae), Labcorp); PubMed 23975875 (cited by Labcorp Genetics (formerly Invitae), Labcorp); PubMed 27869827 (cited by Labcorp Genetics (formerly Invitae), Labcorp); PubMed 32964742 (cited by Labcorp Genetics (formerly Invitae), Labcorp).